The following is an entry in ClinVar:

NM_022455.5(NSD1):c.6426C>G (p.Tyr2142Ter)

Gene: NSD1 (nuclear receptor binding SET domain protein 1; plus strand). Cytogenetic location: 5q35.3.
Variant type: single nucleotide variant.
Coding change: c.6426C>G on transcript NM_022455.5 (MANE Select); coding-DNA position 6426, C replaced by G.
Protein change: p.Tyr2142Ter; replaces tyrosine 2142 with a stop codon.
Molecular consequence: nonsense.
Genome position (GRCh38, 1-based): chr5:177,292,121, C>G. VCF-style: chr5-177292121-C-G. GRCh37 (hg19) VCF-style: chr5-176719122-C-G.
Other names: c.5553C>G, p.Tyr1851Ter (NM_001365684.2, NM_001409308.1, NM_172349.5); c.6426C>G, p.Tyr2142Ter (NM_001409301.1, NM_001409302.1, NM_001409303.1); c.6006C>G, p.Tyr2002Ter (NM_001409304.1); c.5673C>G, p.Tyr1891Ter (NM_001409305.1); c.5664C>G, p.Tyr1888Ter (NM_001409306.1, NM_001409307.1); c.5304C>G, p.Tyr1768Ter (NM_001409309.1); short protein forms Y2142*, Y1873*, Y1891*, Y1851*, Y2002*, Y1768*, Y1888*.
Identifiers: ClinVar variation 407363 (VCV000407363.15), dbSNP rs1060501493, ClinGen allele CA16611860.

ClinVar aggregate classification (germline): Pathogenic. Review status: criteria provided, multiple submitters, no conflicts (2 of 4 stars). 3 submissions from 3 submitters: Pathogenic (3). Last evaluated 2021-07-15.

Conditions:
Sotos syndrome (SOTOS). Also called: CEREBRAL GIGANTISM; Sotos' syndrome; Distinctive facial appearance, overgrowth in childhood, and learning disabilities or delayed development; CHROMOSOME 5q35 DELETION SYNDROME; SOTOS SYNDROME 1. Identifiers: Orphanet 821, MedGen C0175695, MONDO:0019349, OMIM 117550.

Submissions (3):

Genome-Nilou Lab
Classification: Pathogenic for Sotos syndrome. Last evaluated: 2021-07-15. Review status: criteria provided, single submitter. Criteria: ACMG Guidelines, 2015. Collection method: clinical testing. Allele origin: germline. Affected: no.

Labcorp Genetics (formerly Invitae), Labcorp
Classification: Pathogenic. Last evaluated: 2016-12-30. Review status: criteria provided, single submitter. Criteria: Invitae Variant Classification Sherloc (09022015). Collection method: clinical testing. Allele origin: germline.
Comment: This variant would result in the deletion of the last 555 amino acids of the NSD1 protein, including the entire PHD6 (C5HCH) domain that has been shown to be required for the interaction with Nizp1. Furthermore, many deleterious missense variants located in this domain have been reported in individuals affected with Sotos syndrome (PMID: 15942875, 21972110, 12464997). In addition, truncating variants downstream of this variant (such as p.Arg2187*, and c.7514delA) have been determined to be pathogenic (PMID: 16247291, 15742365). This suggests that deletion of this region of the NSD1 protein causes disease. This variant is not present in population databases (ExAC no frequency) and has not been reported in the literature in individuals with a NSD1-related disease. This sequence change results in a premature translational stop signal in the penultimate exon of the NSD1 mRNA at codon 2142 (p.Tyr2142*). While this is not anticipated to result in nonsense-mediated decay, it is expected to delete the last 555 amino acids of the NSD1 protein. For these reasons, this variant has been classified as Pathogenic.

Centre for Mendelian Genomics, University Medical Centre Ljubljana
Classification: Pathogenic for Sotos syndrome. Last evaluated: 2016-01-01. Review status: criteria provided, single submitter. Criteria: ACMG Guidelines, 2015. Collection method: clinical testing. Allele origin: unknown. Affected: yes.
Comment: This variant was classified as: Pathogenic. The following ACMG criteria were applied in classifying this variant: PVS1,PS1,PM2.

Literature cited by the submitters: PubMed 15942875 (cited by Labcorp Genetics (formerly Invitae), Labcorp); PubMed 21972110 (cited by Labcorp Genetics (formerly Invitae), Labcorp); PubMed 12464997 (cited by Labcorp Genetics (formerly Invitae), Labcorp); PubMed 16247291 (cited by Labcorp Genetics (formerly Invitae), Labcorp); PubMed 15742365 (cited by Labcorp Genetics (formerly Invitae), Labcorp).